The following is an entry in ClinVar:

NM_001164508.2(NEB):c.7342C>T (p.Arg2448Cys)

Gene: NEB (nebulin; minus strand). Cytogenetic location: 2q23.3.
Variant type: single nucleotide variant.
Coding change: c.7342C>T on transcript NM_001164508.2 (MANE Select); coding-DNA position 7342, C replaced by T.
Protein change: p.Arg2448Cys; replaces arginine 2448 with cysteine.
Molecular consequence: missense variant.
Genome position (GRCh38, 1-based): chr2:151,650,265, G>A on the plus strand (C>T on the coding strand, the complement: NEB is on the minus strand). VCF-style: chr2-151650265-G-A. GRCh37 (hg19) VCF-style: chr2-152506779-G-A.
Other names: c.7342C>T, p.Arg2448Cys (NM_001164507.2, NM_001271208.2, NM_004543.5); short protein forms R2448C.
Identifiers: ClinVar variation 331492 (VCV000331492.22), dbSNP rs576076237, ClinGen allele CA1909878.

ClinVar aggregate classification (germline): Conflicting classifications of pathogenicity. Review status: criteria provided, conflicting classifications (1 of 4 stars). 6 submissions from 6 submitters: Uncertain significance (1); Likely benign (3). 2 of the submissions do not count toward it. Last evaluated 2026-01-19.

Conditions:
Nemaline myopathy 2 (NEM2). Also called: Nemaline myopathy 2, autosomal recessive. Identifiers: MedGen C1850569, MONDO:0009725, OMIM 256030.

Allele frequency attached by ClinVar (database versions not stated): gnomAD exomes 0.00008 and 0.00035; gnomAD 0.00014 and 0.00016; TOPMed 0.00020; ExAC 0.00031; 1000 Genomes Project 0.00040; 1000 Genomes Project 30x 0.00047.
gnomAD v4.1: 141 of 1,613,778 alleles (0.0087%); highest among the groups gnomAD compares: East Asian, 0.28%; 1 homozygote.

Submissions (6):

Labcorp Genetics (formerly Invitae), Labcorp
Classification: Likely benign for Nemaline myopathy 2. Last evaluated: 2026-01-19. Review status: criteria provided, single submitter. Criteria: Invitae Variant Classification Sherloc (09022015). Collection method: clinical testing. Allele origin: germline.

Revvity Omics, Revvity
Classification: Likely benign. Last evaluated: 2023-06-19. Review status: criteria provided, single submitter. Criteria: ACMG Guidelines, 2015. Collection method: clinical testing. Allele origin: germline.

GeneDx
Classification: Likely benign. Last evaluated: 2019-03-01. Review status: criteria provided, single submitter. Criteria: GeneDx Variant Classification Process June 2021. Collection method: clinical testing. Allele origin: germline. Affected: yes.
Comment: See Variant Classification Assertion Criteria.

Illumina Laboratory Services, Illumina
Classification: Uncertain significance for Nemaline myopathy 2. Last evaluated: 2018-01-13. Review status: criteria provided, single submitter. Criteria: ICSL Variant Classification Criteria 13 December 2019. Collection method: clinical testing. Allele origin: germline.

Natera, Inc.
Classification: Likely benign for Nemaline myopathy type 2. Last evaluated: 2019-12-31. Review status: no assertion criteria provided. Collection method: clinical testing. Allele origin: germline. Not counted in ClinVar's aggregate classification.

Department of Pathology and Laboratory Medicine, Sinai Health System
Classification: Uncertain significance. Review status: no assertion criteria provided. Collection method: clinical testing. Allele origin: unknown. Affected: yes. Study: The Canadian Open Genetics Repository (COGR). Not counted in ClinVar's aggregate classification.
Comment: The NEB p.R2448C variant was identified in one heterozygous individual born with uniparental disomy and presented with multiple conditions including bilateral deafness, binocular blindness, stunted growth and leukoderma (Li_2016_PMID: 27284308). The variant was identified in dbSNP (ID: rs576076237) and ClinVar (classified as uncertain significance by Illumina and as likely benign by Invitae). The variant was identified in control databases in 96 of 280352 chromosomes (1 homozygous) at a frequency of 0.0003424, and was observed at the highest frequency in the East Asian population in 95 of 19528 chromosomes (1 homozygous) (freq: 0.004865) (Genome Aggregation Database March 6, 2019, v2.1.1). The p.R2448 residue is conserved in mammals and computational analyses (MUT Assesor, PolyPhen-2, SIFT, MutationTaster, Revel, FATHMM, MetaLR, DANN) provide inconsistent predictions regarding the impact to the protein; this information is not very predictive of pathogenicity. The variant occurs outside of the splicing consensus sequence and in silico or computational prediction software programs (Splice AI exome) do not predict a difference in splicing. In summary, based on the above information the clinical significance of this variant cannot be determined with certainty at this time. This variant is classified as a variant of uncertain significance.